The following is an entry in ClinVar:

NM_145068.4(TRPV3):c.*1229G>C

Genes: SPATA22 (spermatogenesis associated 22; minus strand), TRPV3 (transient receptor potential cation channel subfamily V member 3; minus strand). Cytogenetic location: 17p13.2.
Variant type: single nucleotide variant.
Coding change: c.*1229G>C on transcript NM_145068.4 (MANE Select); 1229 bases downstream of the stop codon, G replaced by C.
Molecular consequence: 3 prime UTR variant. On other transcripts: intron variant (2).
Genome position (GRCh38, 1-based): chr17:3,512,688, C>G on the plus strand (G>C on the coding strand, the complement: TRPV3 is on the minus strand). VCF-style: chr17-3512688-C-G. GRCh37 (hg19) VCF-style: chr17-3415982-C-G.
Other names: c.*1229G>C (NM_001258205.2); c.-74+724G>C (NM_001321336.2, NM_001321337.2).
Identifiers: ClinVar variation 322723 (VCV000322723.8), dbSNP rs1507615, ClinGen allele CA10645355.
Genomic context (GRCh38, chr17:3,512,688, plus strand): 5'-TGGTGGTTTCGGCCCCAGTCACCTGGAAAATCCTTCCGTCTCCACTTCACCTCTGCCCCC[C>G]AGACTGACTCCGTGTCATTTCAGAAAGAGAACATCAGAGGACGAGGACCTAAAAATAAGC-3'

ClinVar aggregate classification (germline): Benign. Review status: criteria provided, multiple submitters, no conflicts (2 of 4 stars). 2 submissions from 2 submitters: Benign (2). Last evaluated 2018-01-12.

Conditions:
Isolated focal non-epidermolytic palmoplantar keratoderma. Also called: Palmoplantar keratoderma, nonepidermolytic, focal 2. Identifiers: Orphanet 448264, MedGen C4225339, MONDO:0014622, OMIM 616400.

Allele frequency attached by ClinVar (database versions not stated): TOPMed 0.90005; gnomAD 0.90710 and 0.91326; gnomAD exomes 0.98780; 1000 Genomes Project 30x 0.89881; 1000 Genomes Project 0.90575.
gnomAD v4.1: 139,004 of 152,052 alleles (91%); highest among the groups gnomAD compares: East Asian, 100%; 64,816 homozygotes.

Submissions (2):

Illumina Laboratory Services, Illumina
Classification: Benign for Isolated focal non-epidermolytic palmoplantar keratoderma. Last evaluated: 2018-01-12. Review status: criteria provided, single submitter. Criteria: ICSL Variant Classification Criteria 13 December 2019. Collection method: clinical testing. Allele origin: germline.
Comment: This variant was observed in the ICSL laboratory as part of a predisposition screen in an ostensibly healthy population. It had not been previously curated by ICSL or reported in the Human Gene Mutation Database (HGMD: prior to June 1st, 2018), and was therefore a candidate for classification through an automated scoring system. Utilizing variant allele frequency, disease prevalence and penetrance estimates, and inheritance mode, an automated score was calculated to assess if this variant is too frequent to cause the disease. Based on the score and internal cut-off values, a variant classified as benign is not then subjected to further curation. The score for this variant resulted in a classification of benign for this disease.

Breakthrough Genomics
Classification: Benign. Review status: criteria provided, single submitter. Criteria: ACMG Guidelines, 2015. Collection method: not provided. Allele origin: germline. Inheritance: Autosomal dominant inheritance. Affected: yes.